The following is an entry in ClinVar:

NM_000444.6(PHEX):c.2165_2184dup (p.Lys729fs)

Genes: PHEX (phosphate regulating endopeptidase X-linked; plus strand), PTCHD1-AS (PTCHD1 and PHEX antisense RNA; minus strand). Cytogenetic location: Xp22.11.
Variant type: Duplication.
Coding change: c.2165_2184dup on transcript NM_000444.6 (MANE Select); coding-DNA positions 2165 to 2184, 20 bases duplicated (GTAACTTTGAAGAATTCCAG).
Protein change: p.Lys729fs; shifts the reading frame from lysine 729.
Molecular consequence: frameshift variant. On other transcripts: no sequence alteration (1).
Genome position (GRCh38, 1-based): chrX:22,247,868-22,247,887, GTAACTTTGAAGAATTCCAG duplicated. VCF-style (leftmost placement, unchanged base first): chrX-22247867-A-AGTAACTTTGAAGAATTCCAG. GRCh37 (hg19) VCF-style: chrX-22265984-A-AGTAACTTTGAAGAATTCCAG.
Other names: c.2088_*19dup, p.Ter696= (NM_001282754.2); short protein forms K729fs.
Identifiers: ClinVar variation 1070073 (VCV001070073.10), dbSNP rs2147217259, ClinGen allele CA2499226593.

ClinVar aggregate classification (germline): Pathogenic. Review status: criteria provided, single submitter (1 of 4 stars). 2 submissions from 2 submitters: Pathogenic (1). 1 of the submissions does not count toward it. Last evaluated 2022-02-14.

Conditions:
Childhood hypophosphatasia. Identifiers: Orphanet 247667, Orphanet 436, MedGen C0220743, MONDO:1010168, OMIM 241510, MONDO:0009428.

Submissions (2):

Labcorp Genetics (formerly Invitae), Labcorp
Classification: Pathogenic. Last evaluated: 2022-02-14. Review status: criteria provided, single submitter. Criteria: Invitae Variant Classification Sherloc (09022015). Collection method: clinical testing. Allele origin: germline.
Comment: This variant disrupts a region of the PHEX protein in which other variant(s) (p.Arg747*) have been determined to be pathogenic (PMID: 9199930, 9768674). This suggests that this is a clinically significant region of the protein, and that variants that disrupt it are likely to be disease-causing. This variant is not present in population databases (gnomAD no frequency). This variant has not been reported in the literature in individuals affected with PHEX-related conditions. ClinVar contains an entry for this variant (Variation ID: 1070073). Algorithms developed to predict the effect of sequence changes on RNA splicing suggest that this variant may create or strengthen a splice site. For these reasons, this variant has been classified as Pathogenic. This sequence change creates a premature translational stop signal (p.Lys729Valfs*18) in the PHEX gene. While this is not anticipated to result in nonsense mediated decay, it is expected to disrupt the last 21 amino acid(s) of the PHEX protein.

Department of Pediatric Endocrinology, Shriners Hospitals for Children - Mexico City
No classification provided. Condition: Childhood hypophosphatasia. Review status: no classification provided. Collection method: phenotyping only. Allele origin: germline. Inheritance: X-linked dominant inheritance. Affected: yes. Observed: 1 variant allele. Not counted in ClinVar's aggregate classification.

Literature cited by the submitters: PubMed 9199930 (cited by Labcorp Genetics (formerly Invitae), Labcorp); PubMed 9768674 (cited by Labcorp Genetics (formerly Invitae), Labcorp).